The following is an entry in ClinVar:

NM_032043.3(BRIP1):c.1697A>C (p.Asp566Ala)

Gene: BRIP1 (BRCA1 interacting DNA helicase 1; minus strand). Cytogenetic location: 17q23.2.
Variant type: single nucleotide variant.
Coding change: c.1697A>C on transcript NM_032043.3 (MANE Select); coding-DNA position 1697, A replaced by C.
Protein change: p.Asp566Ala; replaces aspartic acid 566 with alanine.
Molecular consequence: missense variant.
Genome position (GRCh38, 1-based): chr17:61,780,937, T>G on the plus strand (A>C on the coding strand, the complement: BRIP1 is on the minus strand). VCF-style: chr17-61780937-T-G. GRCh37 (hg19) VCF-style: chr17-59858298-T-G.
Other names: c.1697A>C (NM_032043.2); short protein forms D566A.
Identifiers: ClinVar variation 1427468 (VCV001427468.10), dbSNP rs1603334596, ClinGen allele CA400480443.

ClinVar aggregate classification (germline): Uncertain significance. Review status: criteria provided, multiple submitters, no conflicts (2 of 4 stars). 2 submissions from 2 submitters: Uncertain significance (2). Last evaluated 2024-09-24.

Conditions:
Hereditary cancer-predisposing syndrome. Also called: Hereditary neoplastic syndrome; Tumor predisposition; Hereditary Cancer Syndrome; Neoplastic Syndromes, Hereditary. Identifiers: Orphanet 140162, MedGen C0027672, MeSH D009386, MONDO:0015356.
Familial cancer of breast. Also called: BREAST CANCER, FAMILIAL; hereditary breast carcinoma; Hereditary breast cancer. Identifiers: Orphanet 227535, MedGen C0346153, MONDO:0016419, OMIM 114480. Disease mechanism: loss of function.
Fanconi anemia complementation group J. Also called: BRIP1-Related Fanconi Anemia. Identifiers: Orphanet 84, MedGen C1836860, MONDO:0012187, OMIM 609054.

Submissions (2):

Ambry Genetics
Classification: Uncertain significance for Hereditary cancer-predisposing syndrome. Last evaluated: 2024-09-24. Review status: criteria provided, single submitter. Criteria: Ambry Variant Classification Scheme 2023. Collection method: clinical testing. Allele origin: germline.
Comment: The p.D566A variant (also known as c.1697A>C), located in coding exon 11 of the BRIP1 gene, results from an A to C substitution at nucleotide position 1697. The aspartic acid at codon 566 is replaced by alanine, an amino acid with dissimilar properties. This amino acid position is conserved. In addition, the in silico prediction for this alteration is inconclusive. Based on the available evidence, the clinical significance of this variant remains unclear.

Labcorp Genetics (formerly Invitae), Labcorp
Classification: Uncertain significance for Familial cancer of breast; Fanconi anemia complementation group J. Last evaluated: 2021-04-26. Review status: criteria provided, single submitter. Criteria: Invitae Variant Classification Sherloc (09022015). Collection method: clinical testing. Allele origin: germline.
Comment: In summary, the available evidence is currently insufficient to determine the role of this variant in disease. Therefore, it has been classified as a Variant of Uncertain Significance. Algorithms developed to predict the effect of missense changes on protein structure and function are either unavailable or do not agree on the potential impact of this missense change (SIFT: "Tolerated"; PolyPhen-2: "Possibly Damaging"; Align-GVGD: "Class C0"). This variant has not been reported in the literature in individuals with BRIP1-related conditions. This variant is not present in population databases (ExAC no frequency). This sequence change replaces aspartic acid with alanine at codon 566 of the BRIP1 protein (p.Asp566Ala). The aspartic acid residue is highly conserved and there is a moderate physicochemical difference between aspartic acid and alanine.